The following is an entry in ClinVar:

NM_194248.3(OTOF):c.5206del (p.Val1736fs)

Gene: OTOF (otoferlin; minus strand). Cytogenetic location: 2p23.3.
Variant type: Deletion.
Coding change: c.5206del on transcript NM_194248.3 (MANE Select); coding-DNA position 5206, one base deleted (G; older notation c.5206delG).
Protein change: p.Val1736fs; shifts the reading frame from valine 1736.
Molecular consequence: frameshift variant.
Genome position (GRCh38, 1-based): chr2:26,462,168, C deleted on the plus strand (G on the coding strand, the reverse complement: OTOF is on the minus strand); the first of 3 consecutive C bases (chr2:26,462,168-26,462,170); deleting any one gives the same sequence. VCF-style (leftmost placement, unchanged base first): chr2-26462167-AC-A. GRCh37 (hg19) VCF-style: chr2-26685035-AC-A.
Other names: c.5206del, p.Val1736fs (NM_001287489.2); c.2905del, p.Val969fs (NM_004802.4, NM_194323.3); c.3136del, p.Val1046fs (NM_194322.3); short protein forms V1736fs, V969fs, V1046fs.
Identifiers: ClinVar variation 2720491 (VCV002720491.3), dbSNP rs2465500821, ClinGen allele CA2697547850.

ClinVar aggregate classification (germline): Pathogenic (1 of 4 stars; one submission).

Submission:

Labcorp Genetics (formerly Invitae), Labcorp
Classification: Pathogenic. Last evaluated: 2023-06-21. Review status: criteria provided, single submitter. Criteria: Invitae Variant Classification Sherloc (09022015). Collection method: clinical testing. Allele origin: germline.
Comment: This variant has not been reported in the literature in individuals affected with OTOF-related conditions. This variant is not present in population databases (gnomAD no frequency). This sequence change creates a premature translational stop signal (p.Val1736Serfs*27) in the OTOF gene. It is expected to result in an absent or disrupted protein product. Loss-of-function variants in OTOF are known to be pathogenic (PMID: 18381613, 19250381, 22575033). For these reasons, this variant has been classified as Pathogenic.

Literature cited by the submitters: PubMed 18381613; PubMed 19250381; PubMed 22575033.